The following is an entry in ClinVar:

NM_016373.4(WWOX):c.1057-14T>C

Genes: MAF (MAF bZIP transcription factor; minus strand), WWOX (WW domain containing oxidoreductase; plus strand). Cytogenetic location: 16q23.2.
Variant type: single nucleotide variant.
Coding change: c.1057-14T>C on transcript NM_016373.4 (MANE Select); 14 bases into the intron before coding-DNA position 1057, T replaced by C.
Molecular consequence: intron variant.
Genome position (GRCh38, 1-based): chr16:79,211,594, T>C. VCF-style: chr16-79211594-T-C. GRCh37 (hg19) VCF-style: chr16-79245491-T-C.
Other names: c.718-14T>C (NM_001291997.2).
Identifiers: ClinVar variation 260736 (VCV000260736.12), dbSNP rs66481974, ClinGen allele CA8183715.

ClinVar aggregate classification (germline): Benign. Review status: criteria provided, multiple submitters, no conflicts (2 of 4 stars). 6 submissions from 5 submitters: Benign (6). Last evaluated 2026-02-03.

Conditions:
Developmental and epileptic encephalopathy, 1 (DEE1). Also called: OHTAHARA SYNDROME, X-LINKED; Epileptic encephalopathy, early infantile, 1; INFANTILE SPASM SYNDROME, X-LINKED 1; X-linked infantile spasms; West's syndrome; Tonic spasms with clustering, arrest of psychomotor development and hypsarrhythmia on EEG. Identifiers: MedGen C3463992, MONDO:0010632, OMIM 308350. Disease mechanism: loss of function.
Autosomal recessive spinocerebellar ataxia 12. Also called: SPINOCEREBELLAR ATAXIA WITH MENTAL RETARDATION AND EPILEPSY. Identifiers: Orphanet 284282, MedGen C3280452, MONDO:0013687, OMIM 614322.
Developmental and epileptic encephalopathy, 28 (DEE28). Also called: Epileptic encephalopathy, early infantile, 28. Identifiers: Orphanet 442835, MedGen C4015519, MONDO:0014533, OMIM 616211.

Allele frequency attached by ClinVar (database versions not stated): 1000 Genomes Project 30x 0.03170; TOPMed 0.03279; ESP Exome Variant Server 0.03726; 1000 Genomes Project 0.03315.
gnomAD v4.1: 69,955 of 1,614,050 alleles (4.3%); highest among the groups gnomAD compares: Non-Finnish European, 4.7%; 1,685 homozygotes.

Submissions (6):

Labcorp Genetics (formerly Invitae), Labcorp
Classification: Benign for Developmental and epileptic encephalopathy, 1; Autosomal recessive spinocerebellar ataxia 12. Last evaluated: 2026-02-03. Review status: criteria provided, single submitter. Criteria: Invitae Variant Classification Sherloc (09022015). Collection method: clinical testing. Allele origin: germline.

Genome-Nilou Lab
Classification: Benign for Developmental and epileptic encephalopathy, 28. Last evaluated: 2021-12-05. Review status: criteria provided, single submitter. Criteria: ACMG Guidelines, 2015. Collection method: clinical testing. Allele origin: germline. Affected: no.

Genome-Nilou Lab
Classification: Benign for Autosomal recessive spinocerebellar ataxia 12. Last evaluated: 2021-12-05. Review status: criteria provided, single submitter. Criteria: ACMG Guidelines, 2015. Collection method: clinical testing. Allele origin: germline. Affected: no.

GeneDx
Classification: Benign. Last evaluated: 2016-01-14. Review status: criteria provided, single submitter. Criteria: GeneDx Variant Classification (06012015). Collection method: clinical testing. Allele origin: germline. Affected: yes.
Comment: This variant is considered likely benign or benign based on one or more of the following criteria: it is a conservative change, it occurs at a poorly conserved position in the protein, it is predicted to be benign by multiple in silico algorithms, and/or has population frequency not consistent with disease.

Breakthrough Genomics
Classification: Benign. Review status: criteria provided, single submitter. Criteria: ACMG Guidelines, 2015. Collection method: not provided. Allele origin: germline. Inheritance: Autosomal recessive inheritance. Affected: yes.

PreventionGenetics, part of Exact Sciences
Classification: Benign. Review status: criteria provided, single submitter. Criteria: ACMG Guidelines, 2015. Collection method: clinical testing. Allele origin: germline.